The following is an entry in ClinVar:

NM_012472.6(DNAAF11):c.1293A>C (p.Ile431=)

Gene: DNAAF11 (dynein axonemal assembly factor 11; minus strand). Cytogenetic location: 8q24.22.
Variant type: single nucleotide variant.
Coding change: c.1293A>C on transcript NM_012472.6 (MANE Select); coding-DNA position 1293, A replaced by C.
Protein change: p.Ile431=; no amino-acid change (isoleucine 431 retained).
Molecular consequence: synonymous variant. On other transcripts: non-coding transcript variant (10).
Genome position (GRCh38, 1-based): chr8:132,572,414, T>G on the plus strand (A>C on the coding strand, the complement: DNAAF11 is on the minus strand). VCF-style: chr8-132572414-T-G. GRCh37 (hg19) VCF-style: chr8-133584662-T-G.
Other names: c.1233A>C, p.Ile411= (NM_001321961.2); c.1047A>C, p.Ile349= (NM_001321962.2); c.933A>C, p.Ile311= (NM_001321963.2, NM_001321964.2, NM_001321965.2); c.873A>C, p.Ile291= (NM_001321966.2); c.1293A>C (NM_012472.5).
Identifiers: ClinVar variation 1164571 (VCV001164571.37), dbSNP rs139369647, ClinGen allele CA4881087.

ClinVar aggregate classification (germline): Benign/Likely benign. Review status: criteria provided, multiple submitters, no conflicts (2 of 4 stars). 5 submissions from 5 submitters: Benign (2); Likely benign (3). Last evaluated 2025-12-15.

Conditions:
DNAAF11-related disorder. Also called: DNAAF11-related condition.
Primary ciliary dyskinesia 19. Also called: CILIARY DYSKINESIA, PRIMARY, 19, WITH OR WITHOUT SITUS INVERSUS. Identifiers: Orphanet 244, MedGen C3543826, MONDO:0013979, OMIM 614935.
Primary ciliary dyskinesia. Also called: Ciliary dyskinesia. Identifiers: Orphanet 244, MedGen C0008780, MONDO:0016575, HP:0012265.

Allele frequency attached by ClinVar (database versions not stated): gnomAD exomes 0.00029; ExAC 0.00039; 1000 Genomes Project 30x 0.00047; 1000 Genomes Project 0.00060; gnomAD 0.00107 and 0.00115; ESP Exome Variant Server 0.00115; TOPMed 0.00118.
gnomAD v4.1: 280 of 1,613,712 alleles (0.017%); highest among the groups gnomAD compares: African/African-American, 0.34%; no homozygotes.

Submissions (5):

Labcorp Genetics (formerly Invitae), Labcorp
Classification: Benign for Primary ciliary dyskinesia 19. Last evaluated: 2025-12-15. Review status: criteria provided, single submitter. Criteria: Invitae Variant Classification Sherloc (09022015). Collection method: clinical testing. Allele origin: germline.

PreventionGenetics, part of Exact Sciences
Classification: Likely benign for DNAAF11-related condition. Last evaluated: 2024-12-31. Review status: criteria provided, single submitter. Criteria: ACMG Guidelines, 2015. Collection method: clinical testing. Allele origin: germline.
Comment: This variant is classified as likely benign based on ACMG/AMP sequence variant interpretation guidelines (Richards et al. 2015 PMID: 25741868, with internal and published modifications).

Blueprint Genetics
Classification: Likely benign. Last evaluated: 2024-11-15. Review status: criteria provided, single submitter. Criteria: ACMG Guidelines, 2015. Collection method: clinical testing. Allele origin: germline.

CeGaT Center for Human Genetics Tuebingen
Classification: Likely benign. Last evaluated: 2022-03-01. Review status: criteria provided, single submitter. Criteria: CeGaT Center For Human Genetics Tuebingen Variant Classification Criteria Version 2. Collection method: clinical testing. Allele origin: germline. Affected: yes. Observed: 1 variant allele.
Comment: DNAAF11: BP4, BP7

Ambry Genetics
Classification: Benign for Primary ciliary dyskinesia. Last evaluated: 2017-02-06. Review status: criteria provided, single submitter. Criteria: Ambry Variant Classification Scheme 2023. Collection method: clinical testing. Allele origin: germline.